The following is an entry in ClinVar:

NM_005902.4(SMAD3):c.916G>T (p.Glu306Ter)

Gene: SMAD3 (SMAD family member 3; plus strand). Cytogenetic location: 15q22.33.
Variant type: single nucleotide variant.
Coding change: c.916G>T on transcript NM_005902.4 (MANE Select); coding-DNA position 916, G replaced by T.
Protein change: p.Glu306Ter; replaces glutamic acid 306 with a stop codon.
Molecular consequence: nonsense.
Genome position (GRCh38, 1-based): chr15:67,184,771, G>T. VCF-style: chr15-67184771-G-T. GRCh37 (hg19) VCF-style: chr15-67477109-G-T.
Other names: c.916G>T, p.Glu306Ter (NM_001407011.1); c.784G>T, p.Glu262Ter (NM_001407012.1, NM_001145103.2); c.769G>T, p.Glu257Ter (NM_001407014.1); c.469G>T, p.Glu157Ter (NM_001407015.1); c.601G>T, p.Glu201Ter (NM_001407016.1, NM_001145102.2); c.331G>T, p.Glu111Ter (NM_001407017.1, NM_001145104.2); short protein forms E111*, E157*, E201*, E257*, E262*, E306*.
Identifiers: ClinVar variation 1709587 (VCV001709587.2), dbSNP rs2140319954, ClinGen allele CA392956868.

ClinVar aggregate classification (germline): Likely pathogenic (1 of 4 stars; one submission).

Conditions:
Aneurysm-osteoarthritis syndrome. Also called: SMAD3-Related Loeys-Dietz Syndrome; ANEURYSMS-OSTEOARTHRITIS SYNDROME; Loeys-Dietz syndrome, type 1C; LOEYS-DIETZ SYNDROME WITH OSTEOARTHRITIS. Identifiers: Orphanet 284984, MedGen C3151087, MONDO:0013426, OMIM 613795.

Submission:

MGZ Medical Genetics Center
Classification: Likely pathogenic for Aneurysm-osteoarthritis syndrome. Last evaluated: 2022-06-28. Review status: criteria provided, single submitter. Criteria: ACMG Guidelines, 2015. Collection method: clinical testing. Allele origin: germline. Affected: yes. Observed: 1 variant allele.
Comment: ACMG criteria applied: PVS1, PM2_SUP